The following is an entry in ClinVar:

NM_004004.6(GJB2):c.585G>T (p.Met195Ile)

Gene: GJB2 (gap junction protein beta 2; minus strand). Cytogenetic location: 13q12.11.
Variant type: single nucleotide variant.
Coding change: c.585G>T on transcript NM_004004.6 (MANE Select); coding-DNA position 585, G replaced by T.
Protein change: p.Met195Ile; replaces methionine 195 with isoleucine.
Molecular consequence: missense variant.
Genome position (GRCh38, 1-based): chr13:20,188,997, C>A on the plus strand (G>T on the coding strand, the complement: GJB2 is on the minus strand). VCF-style: chr13-20188997-C-A. GRCh37 (hg19) VCF-style: chr13-20763136-C-A.
Other names: short protein forms M195I.
Identifiers: ClinVar variation 1479826 (VCV001479826.8), dbSNP rs570552952, ClinGen allele CA6904232.

ClinVar aggregate classification (germline): Conflicting classifications of pathogenicity. Review status: criteria provided, conflicting classifications (1 of 4 stars). 2 submissions from 2 submitters: Likely pathogenic (1); Uncertain significance (1). Last evaluated 2025-06-27.

Submissions (2):

Women's Health and Genetics/Laboratory Corporation of America, LabCorp
Classification: Uncertain significance. Last evaluated: 2025-06-27. Review status: criteria provided, single submitter. Criteria: LabCorp Variant Classification Summary - May 2015. Collection method: clinical testing. Allele origin: germline.
Comment: Variant summary: GJB2 c.585G>T (p.Met195Ile) results in a conservative amino acid change located in the Gap junction protein, cysteine-rich domain (IPR019570) of the encoded protein sequence. Algorithms developed to predict the effect of missense changes on protein structure and function are either unavailable or do not agree on the potential impact of this missense change. The variant allele was found at a frequency of 4e-06 in 251340 control chromosomes. To our knowledge, c.585G>T has not been reported in the literature in individuals affected with autosomal dominant or autosomal recessive nonsyndromic deafness. However, two different variants with the same p.Met195Ile effect (c.585G>C, c.585G>A) have been reported in the heterozygous state in at least 1 individual each with autosomal dominant nonsyndromic deafness (example, Vanniya_2018, Amritkumar_2018, Hochman_2010, Shankar Mani_2009). Further, two different variants affecting the same codon have been classified as likely pathogenic/pathogenic by our lab (p.Met195Val/p.Met195Thr), supporting the critical relevance of codon 195 to GJB2 protein function. To our knowledge, no experimental evidence demonstrating an impact on protein function has been reported. The following publications have been ascertained in the context of this evaluation (PMID: 29921236, 20601923, 18941476, 29148562). ClinVar contains an entry for this variant (Variation ID: 1479826).Based on the evidence outlined above, the variant was classified as uncertain significance.

Labcorp Genetics (formerly Invitae), Labcorp
Classification: Likely pathogenic. Last evaluated: 2023-12-10. Review status: criteria provided, single submitter. Criteria: Invitae Variant Classification Sherloc (09022015). Collection method: clinical testing. Allele origin: germline.
Comment: This sequence change replaces methionine, which is neutral and non-polar, with isoleucine, which is neutral and non-polar, at codon 195 of the GJB2 protein (p.Met195Ile). This variant is present in population databases (rs570552952, gnomAD 0.0009%). This missense change has been observed in individual(s) with autosomal recessive non-syndromic deafness (PMID: 29148562). This variant has been reported in individual(s) with clinical features of autosomal dominant non-syndromic deafness (PMID: 18941476, 20601923); however, the role of the variant in this condition is currently unclear. ClinVar contains an entry for this variant (Variation ID: 1479826). Advanced modeling of protein sequence and biophysical properties (such as structural, functional, and spatial information, amino acid conservation, physicochemical variation, residue mobility, and thermodynamic stability) performed at Invitae indicates that this missense variant is expected to disrupt GJB2 protein function with a positive predictive value of 95%. This variant disrupts the p.Met195 amino acid residue in GJB2. Other variant(s) that disrupt this residue have been determined to be pathogenic (PMID: 20497192, 24013081, 30146550, 33597575). This suggests that this residue is clinically significant, and that variants that disrupt this residue are likely to be disease-causing. In summary, the currently available evidence indicates that the variant is pathogenic, but additional data are needed to prove that conclusively. Therefore, this variant has been classified as Likely Pathogenic.

Literature cited by the submitters: PubMed 18941476 (cited by Women's Health and Genetics/Laboratory Corporation of America, LabCorp and Labcorp Genetics (formerly Invitae), Labcorp); PubMed 29148562 (cited by Women's Health and Genetics/Laboratory Corporation of America, LabCorp and Labcorp Genetics (formerly Invitae), Labcorp); PubMed 29921236 (cited by Women's Health and Genetics/Laboratory Corporation of America, LabCorp); PubMed 20601923 (cited by Women's Health and Genetics/Laboratory Corporation of America, LabCorp and Labcorp Genetics (formerly Invitae), Labcorp); PubMed 20497192 (cited by Labcorp Genetics (formerly Invitae), Labcorp); PubMed 24013081 (cited by Labcorp Genetics (formerly Invitae), Labcorp); PubMed 30146550 (cited by Labcorp Genetics (formerly Invitae), Labcorp); PubMed 33597575 (cited by Labcorp Genetics (formerly Invitae), Labcorp).